The following is an entry in ClinVar:

ClinVar aggregate classification (germline): Uncertain significance (1 of 4 stars; one submission).

Conditions:
Charcot-Marie-Tooth disease axonal type 2L. Also called: Charcot-Marie-Tooth Neuropathy Type 2L; CHARCOT-MARIE-TOOTH DISEASE, AXONAL, AUTOSOMAL DOMINANT, TYPE 2L; CHARCOT-MARIE-TOOTH NEUROPATHY, AXONAL, TYPE 2L. Identifiers: Orphanet 99945, MedGen C1837552, MONDO:0012096, OMIM 608673.

Submission:

Labcorp Genetics (formerly Invitae), Labcorp
Classification: Uncertain significance for Charcot-Marie-Tooth disease axonal type 2L. Last evaluated: 2020-01-26. Review status: criteria provided, single submitter. Criteria: Invitae Variant Classification Sherloc (09022015). Collection method: clinical testing. Allele origin: germline.
Comment: This sequence change creates a premature translational stop signal (p.Val112*) in the HSPB8 gene. It is expected to result in an absent or disrupted protein product. This variant is not present in population databases (ExAC no frequency). This variant has not been reported in the literature in individuals with HSPB8-related conditions. The current clinical and genetic evidence is not sufficient to establish whether loss-of-function variants in HSPB8 cause disease. In summary, the available evidence is currently insufficient to determine the role of this variant in disease. Therefore, it has been classified as a Variant of Uncertain Significance.

NM_014365.3(HSPB8):c.334del (p.Met111_Val112insTer)

Gene: HSPB8 (heat shock protein family B (small) member 8; plus strand). Cytogenetic location: 12q24.23.
Variant type: Deletion.
Coding change: c.334del on transcript NM_014365.3 (MANE Select); coding-DNA position 334, one base deleted (G; older notation c.334delG).
Protein change: p.Met111_Val112insTer.
Molecular consequence: nonsense.
Genome position (GRCh38, 1-based): chr12:119,179,646, G deleted; the last of 2 consecutive G bases (chr12:119,179,645-119,179,646); deleting either gives the same sequence. VCF-style (leftmost placement, unchanged base first): chr12-119179644-TG-T. GRCh37 (hg19) VCF-style: chr12-119617449-TG-T.
Identifiers: ClinVar variation 968158 (VCV000968158.9), dbSNP rs1954624384, ClinGen allele CA1139662930.